The following is an entry in ClinVar:

NM_001378454.1(ALMS1):c.5273T>C (p.Phe1758Ser)

Gene: ALMS1 (ALMS1 centrosome and basal body associated protein; plus strand). Cytogenetic location: 2p13.1.
Variant type: single nucleotide variant.
Coding change: c.5273T>C on transcript NM_001378454.1 (MANE Select); coding-DNA position 5273, T replaced by C.
Protein change: p.Phe1758Ser; replaces phenylalanine 1758 with serine.
Molecular consequence: missense variant.
Genome position (GRCh38, 1-based): chr2:73,451,800, T>C. VCF-style: chr2-73451800-T-C. GRCh37 (hg19) VCF-style: chr2-73678927-T-C.
Other names: c.5276T>C, p.Phe1759Ser (NM_015120.4); short protein forms F1759S, F1758S.
Identifiers: ClinVar variation 2158214 (VCV002158214.3), dbSNP rs868226059, ClinGen allele CA50396542.

ClinVar aggregate classification (germline): Uncertain significance (1 of 4 stars; one submission).

Conditions:
Alstrom syndrome (ALMS). Identifiers: Orphanet 64, MedGen C0268425, MONDO:0008763, OMIM 203800.

gnomAD v4.1: 1 of 1,613,286 alleles (0.000062%); highest among the groups gnomAD compares: Non-Finnish European, 0.000085%; no homozygotes.

Submission:

Labcorp Genetics (formerly Invitae), Labcorp
Classification: Uncertain significance for Alstrom syndrome. Last evaluated: 2022-05-03. Review status: criteria provided, single submitter. Criteria: Invitae Variant Classification Sherloc (09022015). Collection method: clinical testing. Allele origin: germline.
Comment: In summary, the available evidence is currently insufficient to determine the role of this variant in disease. Therefore, it has been classified as a Variant of Uncertain Significance. Experimental studies and prediction algorithms are not available or were not evaluated, and the functional significance of this variant is currently unknown. This variant has not been reported in the literature in individuals affected with ALMS1-related conditions. This variant is not present in population databases (gnomAD no frequency). This sequence change replaces phenylalanine, which is neutral and non-polar, with serine, which is neutral and polar, at codon 1759 of the ALMS1 protein (p.Phe1759Ser).